The following is an entry in ClinVar:

ClinVar aggregate classification (germline): Uncertain significance. Review status: criteria provided, multiple submitters, no conflicts (2 of 4 stars). 2 submissions from 2 submitters: Uncertain significance (2). Last evaluated 2025-02-24.

Conditions:
Aicardi-Goutieres syndrome 3. Identifiers: Orphanet 51, MedGen C1835916, MONDO:0012471, OMIM 610329.

Allele frequency attached by ClinVar (database versions not stated): gnomAD exomes below 0.00001.
gnomAD v4.1: 4 of 1,541,824 alleles (0.00026%); highest among the groups gnomAD compares: Non-Finnish European, 0.00026%; no homozygotes.

Submissions (2):

Labcorp Genetics (formerly Invitae), Labcorp
Classification: Uncertain significance for Aicardi-Goutieres syndrome 3. Last evaluated: 2025-02-24. Review status: criteria provided, single submitter. Criteria: Invitae Variant Classification Sherloc (09022015). Collection method: clinical testing. Allele origin: germline.
Comment: This sequence change replaces isoleucine, which is neutral and non-polar, with valine, which is neutral and non-polar, at codon 52 of the RNASEH2C protein (p.Ile52Val). This variant is not present in population databases (gnomAD no frequency). This variant has not been reported in the literature in individuals affected with RNASEH2C-related conditions. ClinVar contains an entry for this variant (Variation ID: 1028926). An algorithm developed to predict the effect of missense changes on protein structure and function outputs the following: PolyPhen-2: "Benign". The valine amino acid residue is found in multiple mammalian species, which suggests that this missense change does not adversely affect protein function. In summary, the available evidence is currently insufficient to determine the role of this variant in disease. Therefore, it has been classified as a Variant of Uncertain Significance.

Baylor Genetics
Classification: Uncertain significance for Aicardi-Goutieres syndrome 3. Last evaluated: 2019-11-06. Review status: criteria provided, single submitter. Criteria: ACMG Guidelines, 2015. Collection method: clinical testing. Allele origin: unknown. Affected: yes.
Comment: This variant was determined to be of uncertain significance according to ACMG Guidelines, 2015 [PMID:25741868].

NM_032193.4(RNASEH2C):c.154A>G (p.Ile52Val)

Genes: RNASEH2C (ribonuclease H2 subunit C; minus strand), LOC130006061 (ATAC-STARR-seq lymphoblastoid silent region 3553; plus strand). Cytogenetic location: 11q13.1.
Variant type: single nucleotide variant.
Coding change: c.154A>G on transcript NM_032193.4 (MANE Select); coding-DNA position 154, A replaced by G.
Protein change: p.Ile52Val; replaces isoleucine 52 with valine.
Molecular consequence: missense variant.
Genome position (GRCh38, 1-based): chr11:65,720,605, T>C on the plus strand (A>G on the coding strand, the complement: RNASEH2C is on the minus strand). VCF-style: chr11-65720605-T-C. GRCh37 (hg19) VCF-style: chr11-65488076-T-C.
Other names: short protein forms I52V.
Identifiers: ClinVar variation 1028926 (VCV001028926.5), dbSNP rs1857359607, ClinGen allele CA381299158.